The following is an entry in ClinVar:

NM_000038.6(APC):c.1659G>A (p.Trp553Ter)

Gene: APC (APC regulator of Wnt signaling pathway; plus strand). Cytogenetic location: 5q22.2.
Variant type: single nucleotide variant.
Coding change: c.1659G>A on transcript NM_000038.6 (MANE Select); coding-DNA position 1659, G replaced by A.
Protein change: p.Trp553Ter; replaces tryptophan 553 with a stop codon.
Molecular consequence: nonsense.
Genome position (GRCh38, 1-based): chr5:112,828,888, G>A. VCF-style: chr5-112828888-G-A. GRCh37 (hg19) VCF-style: chr5-112164585-G-A.
Other names: c.1659G>A, p.Trp553Ter (NM_001127510.3, NM_001354895.2); c.1605G>A, p.Trp535Ter (NM_001127511.3); c.1713G>A, p.Trp571Ter (NM_001354896.2); c.1689G>A, p.Trp563Ter (NM_001354897.2); c.1584G>A, p.Trp528Ter (NM_001354898.2); c.1575G>A, p.Trp525Ter (NM_001354899.2); c.1536G>A, p.Trp512Ter (NM_001354900.2); c.1482G>A, p.Trp494Ter (NM_001354901.2); and 5 more; short protein forms W535*, W553*, W462*, W528*, W393*, W512*, W525*, W563*.
Identifiers: ClinVar variation 92340 (VCV000092340.21), dbSNP rs398123116, ClinGen allele CA005417.

ClinVar aggregate classification (germline): Pathogenic. Review status: criteria provided, multiple submitters, no conflicts (2 of 4 stars). 4 submissions from 4 submitters: Pathogenic (4). Last evaluated 2025-02-27.

Conditions:
Hereditary cancer-predisposing syndrome. Also called: Hereditary neoplastic syndrome; Tumor predisposition; Neoplastic Syndromes, Hereditary; Hereditary Cancer Syndrome. Identifiers: Orphanet 140162, MedGen C0027672, MeSH D009386, MONDO:0015356.
Familial adenomatous polyposis 1 (FAP1). Also called: FAMILIAL ADENOMATOUS POLYPOSIS 1, ATTENUATED; POLYPOSIS, ADENOMATOUS INTESTINAL. Identifiers: MedGen C2713442, MONDO:0021056, OMIM 175100. Disease mechanism: loss of function.

Submissions (4):

Labcorp Genetics (formerly Invitae), Labcorp
Classification: Pathogenic for Familial adenomatous polyposis 1. Last evaluated: 2025-02-27. Review status: criteria provided, single submitter. Criteria: Invitae Variant Classification Sherloc (09022015). Collection method: clinical testing. Allele origin: germline.
Comment: This sequence change creates a premature translational stop signal (p.Trp553*) in the APC gene. It is expected to result in an absent or disrupted protein product. Loss-of-function variants in APC are known to be pathogenic (PMID: 17963004, 20685668). This variant is not present in population databases (gnomAD no frequency). This premature translational stop signal has been observed in individual(s) with familial adenomatous polyposis (PMID: 23159591). ClinVar contains an entry for this variant (Variation ID: 92340). For these reasons, this variant has been classified as Pathogenic.

Ambry Genetics
Classification: Pathogenic for Hereditary cancer-predisposing syndrome. Last evaluated: 2023-10-27. Review status: criteria provided, single submitter. Criteria: Ambry Variant Classification Scheme 2023. Collection method: clinical testing. Allele origin: germline.
Comment: The p.W553* variant (also known as c.1659G>A), located in coding exon 13 of the APC gene, results from a G to A substitution at nucleotide position 1659. This changes the amino acid from a tryptophan to a stop codon within coding exon 13. This mutation has been reported in individuals with familial adenomatous polyposis (Nagase H et al. Cancer Res., 1992 Jul;52:4055-7; Kerr SE et al. J Mol Diagn, 2013 Jan;15:31-43). This variant is considered to be rare based on population cohorts in the Genome Aggregation Database (gnomAD). In addition to the clinical data presented in the literature, this alteration is expected to result in loss of function by premature protein truncation or nonsense-mediated mRNA decay. As such, this alteration is interpreted as a disease-causing mutation.

Myriad Genetics, Inc.
Classification: Pathogenic for Familial adenomatous polyposis 1. Last evaluated: 2023-05-02. Review status: criteria provided, single submitter. Criteria: Myriad Autosomal Dominant, Autosomal Recessive and X-Linked Classification Criteria (2023). Collection method: clinical testing. Allele origin: unknown.
Comment: This variant is considered pathogenic. This variant creates a termination codon and is predicted to result in premature protein truncation.

Eurofins Ntd Llc (ga)
Classification: Pathogenic. Last evaluated: 2013-02-21. Review status: criteria provided, single submitter. Criteria: EGL Classification Definitions. Collection method: clinical testing. Allele origin: germline. Observed: 2 variant alleles, 2 heterozygotes.

Literature cited by the submitters: PubMed 17963004 (cited by Labcorp Genetics (formerly Invitae), Labcorp); PubMed 20685668 (cited by Labcorp Genetics (formerly Invitae), Labcorp); PubMed 23159591 (cited by Labcorp Genetics (formerly Invitae), Labcorp and Ambry Genetics); PubMed 1319838 (cited by Ambry Genetics).